The following is an entry in ClinVar:

ClinVar aggregate classification (germline): Uncertain significance (1 of 4 stars; one submission).

Conditions:
Long QT syndrome (LQTS). Identifiers: MedGen C0023976, MeSH D008133, MONDO:0002442. Disease mechanism: loss of function. Inheritance: Various modes of inheritance.

Submission:

Labcorp Genetics (formerly Invitae), Labcorp
Classification: Uncertain significance for Long QT syndrome. Last evaluated: 2018-09-06. Review status: criteria provided, single submitter. Criteria: Invitae Variant Classification Sherloc (09022015). Collection method: clinical testing. Allele origin: germline.
Comment: Algorithms developed to predict the effect of missense changes on protein structure and function are either unavailable or do not agree on the potential impact of this missense change (SIFT: "Deleterious"; PolyPhen-2: "Possibly Damaging"; Align-GVGD: "Class C0"). In summary, the available evidence is currently insufficient to determine the role of this variant in disease. Therefore, it has been classified as a Variant of Uncertain Significance. This variant is not present in population databases (ExAC no frequency). This sequence change replaces asparagine with threonine at codon 646 of the CACNA1C protein (p.Asn646Thr). The asparagine residue is highly conserved and there is a small physicochemical difference between asparagine and threonine. This variant has not been reported in the literature in individuals with CACNA1C-related disease.

NM_000719.7(CACNA1C):c.1937A>C (p.Asn646Thr)

Gene: CACNA1C (calcium voltage-gated channel subunit alpha1 C; plus strand). Cytogenetic location: 12p13.33.
Variant type: single nucleotide variant.
Coding change: c.1937A>C on transcript NM_000719.7 (MANE Select); coding-DNA position 1937, A replaced by C.
Protein change: p.Asn646Thr; replaces asparagine 646 with threonine.
Molecular consequence: missense variant.
Genome position (GRCh38, 1-based): chr12:2,581,631, A>C. VCF-style: chr12-2581631-A-C. GRCh37 (hg19) VCF-style: chr12-2690797-A-C.
Other names: c.1937A>C, p.Asn646Thr (NM_001129827.2, NM_001129829.2, NM_001129830.3 and 18 more transcripts); c.1928A>C, p.Asn643Thr (NM_001129844.2); short protein forms N646T, N643T.
Identifiers: ClinVar variation 649898 (VCV000649898.9), dbSNP rs1600964368, ClinGen allele CA383370171.